The following is an entry in ClinVar:

NM_001193369.2(DIDO1):c.1731A>T (p.Ala577=)

Gene: DIDO1 (death inducer-obliterator 1; minus strand). Cytogenetic location: 20q13.33.
Variant type: single nucleotide variant.
Coding change: c.1731A>T on transcript NM_001193369.2 (MANE Select); coding-DNA position 1731, A replaced by T.
Protein change: p.Ala577=; no amino-acid change (alanine 577 retained).
Molecular consequence: synonymous variant.
Genome position (GRCh38, 1-based): chr20:62,896,854, T>A on the plus strand (A>T on the coding strand, the complement: DIDO1 is on the minus strand). VCF-style: chr20-62896854-T-A. GRCh37 (hg19) VCF-style: chr20-61528206-T-A.
Other names: c.1731A>T, p.Ala577= (NM_001193370.2, NM_033081.3, NM_080797.4).
Identifiers: ClinVar variation 3234373 (VCV003234373.20), dbSNP rs2516354104, ClinGen allele CA511335073.

ClinVar aggregate classification (germline): Likely benign (1 of 4 stars; one submission).

Submission:

CeGaT Center for Human Genetics Tuebingen
Classification: Likely benign. Last evaluated: 2024-03-01. Review status: criteria provided, single submitter. Criteria: CeGaT Center For Human Genetics Tuebingen Variant Classification Criteria Version 2. Collection method: clinical testing. Allele origin: germline. Affected: yes. Observed: 1 variant allele.
Comment: DIDO1: PM2:Supporting, BP4, BP7